The following is an entry in ClinVar:

NM_015158.5(KANK1):c.2479A>G (p.Ile827Val)

Gene: KANK1 (KN motif and ankyrin repeat domains 1; plus strand). Cytogenetic location: 9p24.3.
Variant type: single nucleotide variant.
Coding change: c.2479A>G on transcript NM_015158.5 (MANE Select); coding-DNA position 2479, A replaced by G.
Protein change: p.Ile827Val; replaces isoleucine 827 with valine.
Molecular consequence: missense variant. On other transcripts: non-coding transcript variant (1).
Genome position (GRCh38, 1-based): chr9:713,245, A>G. VCF-style: chr9-713245-A-G. GRCh37 (hg19) VCF-style: chr9-713245-A-G.
Other names: c.2479A>G, p.Ile827Val (NM_001256876.3, NM_001256877.3, NM_001354331.2 and 2 more transcripts); c.2005A>G, p.Ile669Val (NM_001354333.2, NM_001354335.2, NM_001354336.2 and 9 more transcripts); short protein forms I827V, I669V.
Identifiers: ClinVar variation 376922 (VCV000376922.3), dbSNP rs1057520089, ClinGen allele CA16603210.

ClinVar aggregate classification (germline): Uncertain significance (1 of 4 stars; one submission).

Allele frequency attached by ClinVar (database versions not stated): gnomAD exomes below 0.00001 and 0.00001.

Submission:

Center for Pediatric Genomic Medicine, Children's Mercy Hospital and Clinics
Classification: Uncertain significance. Last evaluated: 2016-11-02. Review status: criteria provided, single submitter. Criteria: ACMG Guidelines, 2015. Collection method: clinical testing. Allele origin: germline.
ClinVar note: Converted during submission from Uncertain Significance to Uncertain significance.